The following is an entry in ClinVar:

ClinVar aggregate classification (germline): Benign/Likely benign. Review status: criteria provided, multiple submitters, no conflicts (2 of 4 stars). 3 submissions from 3 submitters: Benign (1); Likely benign (1). 1 of the submissions does not count toward it. Last evaluated 2023-12-01.

Conditions:
KMT2C-related disorder. Also called: KMT2C-related disorders; KMT2C-related condition.

Allele frequency attached by ClinVar (database versions not stated): gnomAD exomes 0.00003; ExAC 0.00011; 1000 Genomes Project 30x 0.00016; 1000 Genomes Project 0.00020; gnomAD 0.00040; TOPMed 0.00053; ESP Exome Variant Server 0.00085.
gnomAD v4.1: 114 of 1,614,176 alleles (0.0071%); highest among the groups gnomAD compares: African/African-American, 0.11%; no homozygotes.

Submissions (3):

CeGaT Center for Human Genetics Tuebingen
Classification: Likely benign. Last evaluated: 2023-12-01. Review status: criteria provided, single submitter. Criteria: CeGaT Center For Human Genetics Tuebingen Variant Classification Criteria Version 2. Collection method: clinical testing. Allele origin: germline. Affected: yes. Observed: 1 variant allele.
Comment: KMT2C: BP4, BP7, BS1

Labcorp Genetics (formerly Invitae), Labcorp
Classification: Benign. Last evaluated: 2023-05-12. Review status: criteria provided, single submitter. Criteria: Invitae Variant Classification Sherloc (09022015). Collection method: clinical testing. Allele origin: germline.

PreventionGenetics, part of Exact Sciences
Classification: Likely benign for KMT2C-related condition. Last evaluated: 2019-11-21. Review status: no assertion criteria provided. Collection method: clinical testing. Allele origin: germline. Not counted in ClinVar's aggregate classification.
Comment: This variant is classified as likely benign based on ACMG/AMP sequence variant interpretation guidelines (Richards et al. 2015 PMID: 25741868, with internal and published modifications).

NM_170606.3(KMT2C):c.12093G>A (p.Pro4031=)

Gene: KMT2C (lysine methyltransferase 2C; minus strand). Cytogenetic location: 7q36.1.
Variant type: single nucleotide variant.
Coding change: c.12093G>A on transcript NM_170606.3 (MANE Select); coding-DNA position 12093, G replaced by A.
Protein change: p.Pro4031=; no amino-acid change (proline 4031 retained).
Molecular consequence: synonymous variant.
Genome position (GRCh38, 1-based): chr7:152,154,313, C>T on the plus strand (G>A on the coding strand, the complement: KMT2C is on the minus strand). VCF-style: chr7-152154313-C-T. GRCh37 (hg19) VCF-style: chr7-151851398-C-T.
Other names: c.12093G>A (NM_170606.2).
Identifiers: ClinVar variation 2056096 (VCV002056096.27), dbSNP rs149293494, ClinGen allele CA4578898.